The following is an entry in ClinVar:

ClinVar aggregate classification (germline): Likely benign. Review status: criteria provided, multiple submitters, no conflicts (2 of 4 stars). 2 submissions from 2 submitters: Likely benign (2). Last evaluated 2026-08-01.

Submissions (2):

CeGaT Center for Human Genetics Tuebingen
Classification: Likely benign. Last evaluated: 2026-08-01. Review status: criteria provided, single submitter. Criteria: CeGaT Center For Human Genetics Tuebingen Variant Classification Criteria Version 2. Collection method: clinical testing. Allele origin: germline. Affected: yes. Observed: 15 variant alleles.
Comment: RUSC2: PM4, BS2

Labcorp Genetics (formerly Invitae), Labcorp
Classification: Likely benign. Last evaluated: 2026-02-03. Review status: criteria provided, single submitter. Criteria: Invitae Variant Classification Sherloc (09022015). Collection method: clinical testing. Allele origin: germline.

NM_014806.5(RUSC2):c.1295_1306del (p.Gly432_Pro435del)

Gene: RUSC2 (RUN and SH3 domain containing 2; plus strand). Cytogenetic location: 9p13.3.
Variant type: Deletion.
Coding change: c.1295_1306del on transcript NM_014806.5 (MANE Select); coding-DNA positions 1295 to 1306, 12 bases deleted (GCCCTGGCCCAG).
Protein change: p.Gly432_Pro435del.
Molecular consequence: inframe deletion. On other transcripts: non-coding transcript variant (1), intron variant (1).
Genome position (GRCh38, 1-based): chr9:35,547,816-35,547,827, GCCCTGGCCCAG deleted; deleting any 12 consecutive bases within chr9:35,547,812-35,547,827 gives the same sequence; the c. name uses the placement nearest the transcript's 3' end. VCF-style (leftmost placement, unchanged base first): chr9-35547811-ACCAGGCCCTGGC-A. GRCh37 (hg19) VCF-style: chr9-35547808-ACCAGGCCCTGGC-A.
Other names: c.1295_1306del, p.Gly432_Pro435del (NM_001135999.2); c.-620-7244_-620-7233del (NM_001330740.2).
Identifiers: ClinVar variation 1628510 (VCV001628510.39), dbSNP rs749692537, ClinGen allele CA5043610.